The following is an entry in ClinVar:

NM_016239.4(MYO15A):c.10136C>A (p.Ser3379Ter)

Gene: MYO15A (myosin XVA; plus strand). Cytogenetic location: 17p11.2.
Variant type: single nucleotide variant.
Coding change: c.10136C>A on transcript NM_016239.4 (MANE Select); coding-DNA position 10136, C replaced by A.
Protein change: p.Ser3379Ter; replaces serine 3379 with a stop codon.
Molecular consequence: nonsense.
Genome position (GRCh38, 1-based): chr17:18,171,691, C>A. VCF-style: chr17-18171691-C-A. GRCh37 (hg19) VCF-style: chr17-18075005-C-A.
Other names: short protein forms S3379*.
Identifiers: ClinVar variation 179222 (VCV000179222.4), dbSNP rs546575046, ClinGen allele CA273603.

ClinVar aggregate classification (germline): Pathogenic (1 of 4 stars; one submission).

Conditions:
Rare genetic deafness. Identifiers: Orphanet 96210, MedGen C5680250.

gnomAD v4.1: 2 of 1,613,250 alleles (0.00012%); highest among the groups gnomAD compares: Non-Finnish European, 0.00017%; no homozygotes.

Submission:

Laboratory for Molecular Medicine, Mass General Brigham Personalized Medicine
Classification: Pathogenic for Rare genetic deafness. Last evaluated: 2013-08-23. Review status: criteria provided, single submitter. Criteria: LMM Criteria. Collection method: clinical testing. Allele origin: germline. Inheritance: Autosomal recessive inheritance. Observed: 1 variant allele.
Comment: The Ser3379X variant in MYO15A has not been reported in individuals with hearing loss. This nonsense variant leads to a premature termination codon at position 3379, which is predicted to lead to a truncated or absent protein. In summary, t his variant meets our criteria to be classified as pathogenic.